The following is an entry in ClinVar:

NM_001283009.2(RTEL1):c.215T>C (p.Ile72Thr)

Genes: RTEL1 (regulator of telomere elongation helicase 1; plus strand), RTEL1-TNFRSF6B (RTEL1-TNFRSF6B readthrough (NMD candidate); plus strand). Cytogenetic location: 20q13.33.
Variant type: single nucleotide variant.
Coding change: c.215T>C on transcript NM_001283009.2 (MANE Select); coding-DNA position 215, T replaced by C.
Protein change: p.Ile72Thr; replaces isoleucine 72 with threonine.
Molecular consequence: missense variant. On other transcripts: non-coding transcript variant (1), 5 prime UTR variant (1).
Genome position (GRCh38, 1-based): chr20:63,661,410, T>C. VCF-style: chr20-63661410-T-C. GRCh37 (hg19) VCF-style: chr20-62292763-T-C.
Other names: c.-455T>C (NM_001283010.1); c.215T>C, p.Ile72Thr (NM_016434.4, NM_032957.5); short protein forms I72T.
Identifiers: ClinVar variation 1959347 (VCV001959347.3), dbSNP rs1313517110, ClinGen allele CA409657978.

ClinVar aggregate classification (germline): Uncertain significance (1 of 4 stars; one submission).

Conditions:
Pulmonary fibrosis and/or bone marrow failure, Telomere-related, 3. Also called: PULMONARY FIBROSIS AND/OR BONE MARROW FAILURE SYNDROME, TELOMERE-RELATED, 3. Identifiers: Orphanet 2032, MedGen C4225346, MONDO:0014613, OMIM 616373.
Dyskeratosis congenita, autosomal recessive 5 (DKCB5). Identifiers: MedGen C3554656, MONDO:0014076, OMIM 615190.

Allele frequency attached by ClinVar (database versions not stated): TOPMed below 0.00001; gnomAD 0.00001.
gnomAD v4.1: 2 of 1,613,826 alleles (0.00012%); highest among the groups gnomAD compares: East Asian, 0.0022%; no homozygotes.

Submission:

Labcorp Genetics (formerly Invitae), Labcorp
Classification: Uncertain significance for Dyskeratosis congenita, autosomal recessive 5; Pulmonary fibrosis and/or bone marrow failure, Telomere-related, 3. Last evaluated: 2025-12-18. Review status: criteria provided, single submitter. Criteria: Invitae Variant Classification Sherloc (09022015). Collection method: clinical testing. Allele origin: germline.
Comment: This sequence change replaces isoleucine, which is neutral and non-polar, with threonine, which is neutral and polar, at codon 72 of the RTEL1 protein (p.Ile72Thr). The frequency data for this variant in the population databases is considered unreliable, as metrics indicate poor data quality at this position in the gnomAD database. This variant has not been reported in the literature in individuals affected with RTEL1-related conditions. ClinVar contains an entry for this variant (Variation ID: 1959347). An algorithm developed to predict the effect of missense changes on protein structure and function (PolyPhen-2) suggests that this variant is likely to be disruptive. In summary, the available evidence is currently insufficient to determine the role of this variant in disease. Therefore, it has been classified as a Variant of Uncertain Significance.